The following is an entry in ClinVar:

ClinVar aggregate classification (germline): Uncertain significance. Review status: criteria provided, multiple submitters, no conflicts (2 of 4 stars). 5 submissions from 5 submitters: Uncertain significance (4). 1 of the submissions does not count toward it. Last evaluated 2025-03-18.

Conditions:
concomitant exotropia.
Inborn genetic diseases. Identifiers: MedGen C0950123, MeSH D030342.

Allele frequency attached by ClinVar (database versions not stated): ExAC 0.00004; gnomAD exomes 0.00005 and 0.00008; TOPMed 0.00005; gnomAD 0.00006 and 0.00008; ESP Exome Variant Server 0.00015.
gnomAD v4.1: 129 of 1,614,090 alleles (0.008%); highest among the groups gnomAD compares: Non-Finnish European, 0.01%; no homozygotes.

Submissions (5):

Ambry Genetics
Classification: Uncertain significance for Inborn genetic diseases. Last evaluated: 2025-03-18. Review status: criteria provided, single submitter. Criteria: Ambry Variant Classification Scheme 2023. Collection method: clinical testing. Allele origin: germline.

Blueprint Genetics
Classification: Uncertain significance. Last evaluated: 2024-02-16. Review status: criteria provided, single submitter. Criteria: ACMG Guidelines, 2015. Collection method: clinical testing. Allele origin: germline.

Labcorp Genetics (formerly Invitae), Labcorp
Classification: Uncertain significance. Last evaluated: 2023-04-11. Review status: criteria provided, single submitter. Criteria: Invitae Variant Classification Sherloc (09022015). Collection method: clinical testing. Allele origin: germline.
Comment: This variant has not been reported in the literature in individuals affected with CDH3-related conditions. In summary, the available evidence is currently insufficient to determine the role of this variant in disease. Therefore, it has been classified as a Variant of Uncertain Significance. Algorithms developed to predict the effect of missense changes on protein structure and function output the following: SIFT: "Not Available"; PolyPhen-2: "Benign"; Align-GVGD: "Not Available". The threonine amino acid residue is found in multiple mammalian species, which suggests that this missense change does not adversely affect protein function. ClinVar contains an entry for this variant (Variation ID: 942291). This variant is present in population databases (rs144117679, gnomAD 0.01%). This sequence change replaces alanine, which is neutral and non-polar, with threonine, which is neutral and polar, at codon 799 of the CDH3 protein (p.Ala799Thr).

GeneDx
Classification: Uncertain significance. Last evaluated: 2023-01-18. Review status: criteria provided, single submitter. Criteria: GeneDx Variant Classification Process June 2021. Collection method: clinical testing. Allele origin: germline. Affected: yes.
Comment: In silico analysis supports that this missense variant does not alter protein structure/function; Has not been previously published as pathogenic or benign to our knowledge

Ophthalmology Lab, The First People's Hospital of Yunnan Provience
Classification: Likely pathogenic for concomitant exotropia. Last evaluated: 2024-08-30. Review status: no assertion criteria provided. Collection method: clinical testing. Allele origin: inherited. Affected: yes. Observed: 3 variant alleles. Not counted in ClinVar's aggregate classification.
Comment: Dominant inheritance. Diseases associated with CDH3 include ectodermal dysplasia, ectrodactyly, and macular dystrophy syndrome.

NM_001793.6(CDH3):c.2395G>A (p.Ala799Thr)

Gene: CDH3 (cadherin 3; plus strand). Cytogenetic location: 16q22.1.
Variant type: single nucleotide variant.
Coding change: c.2395G>A on transcript NM_001793.6 (MANE Select); coding-DNA position 2395, G replaced by A.
Protein change: p.Ala799Thr; replaces alanine 799 with threonine.
Molecular consequence: missense variant. On other transcripts: 3 prime UTR variant (1).
Genome position (GRCh38, 1-based): chr16:68,698,305, G>A. VCF-style: chr16-68698305-G-A. GRCh37 (hg19) VCF-style: chr16-68732208-G-A.
Other names: c.*138G>A (NM_001317195.3); c.2230G>A, p.Ala744Thr (NM_001317196.2); c.2395G>A (NM_001793.4); short protein forms A744T, A799T.
Identifiers: ClinVar variation 942291 (VCV000942291.11), dbSNP rs144117679, ClinGen allele CA8129727.